The following is an entry in ClinVar:

ClinVar aggregate classification (germline): Uncertain significance. Review status: criteria provided, single submitter (1 of 4 stars). 2 submissions from 2 submitters: Uncertain significance (1). 1 of the submissions does not count toward it. Last evaluated 2024-05-04.

Conditions:
Hearing loss, autosomal recessive 107. Also called: DEAFNESS, AUTOSOMAL RECESSIVE 107. Identifiers: MedGen C4539964, MONDO:0033199, OMIM 617639.

Allele frequency attached by ClinVar (database versions not stated): gnomAD 0.00001 and 0.00003; gnomAD exomes 0.00001 and 0.00002; TOPMed 0.00003; ExAC 0.00005; ESP Exome Variant Server 0.00008; 1000 Genomes Project 0.00040; 1000 Genomes Project 30x 0.00047.
gnomAD v4.1: 14 of 1,557,354 alleles (0.0009%); highest among the groups gnomAD compares: Middle Eastern, 0.017%; no homozygotes.

Submissions (2):

Blueprint Genetics
Classification: Uncertain significance. Last evaluated: 2024-05-04. Review status: criteria provided, single submitter. Criteria: ACMG Guidelines, 2015. Collection method: clinical testing. Allele origin: germline.

OMIM
Classification: Pathogenic for DEAFNESS, AUTOSOMAL RECESSIVE 107. Last evaluated: 2017-08-24. Review status: flagged submission. Collection method: literature only. Allele origin: germline. Not counted in ClinVar's aggregate classification.
ClinVar note: Notes: Flagging candidate with reason of insufficient supporting evidence. This gene has been classified as having a limited gene-disease relationship by a ClinGen Expert Panel.
ClinVar note: Reason: Other

Literature cited by the submitters: PubMed 26881968 (cited by OMIM).

NM_012478.4(WBP2):c.478G>A (p.Ala160Thr)

Gene: WBP2 (WW domain binding protein 2; minus strand). Cytogenetic location: 17q25.1.
Variant type: single nucleotide variant.
Coding change: c.478G>A on transcript NM_012478.4 (MANE Select); coding-DNA position 478, G replaced by A.
Protein change: p.Ala160Thr; replaces alanine 160 with threonine.
Molecular consequence: missense variant. On other transcripts: intron variant (1).
Genome position (GRCh38, 1-based): chr17:75,847,850, C>T on the plus strand (G>A on the coding strand, the complement: WBP2 is on the minus strand). VCF-style: chr17-75847850-C-T. GRCh37 (hg19) VCF-style: chr17-73843931-C-T.
Other names: WBP2, ALA160THR (rs202022024); c.478G>A, p.Ala160Thr (NM_001348170.1); c.398-241G>A (NM_001330499.2); short protein forms A160T.
Identifiers: ClinVar variation 437831 (VCV000437831.2), dbSNP rs202022024, ClinGen allele CA8773906.